The following is an entry in ClinVar:

ClinVar aggregate classification (germline): Uncertain significance. Review status: criteria provided, single submitter (1 of 4 stars). 2 submissions from 2 submitters: Uncertain significance (1). 1 of the submissions does not count toward it. Last evaluated 2024-04-22.

Conditions:
Mucolipidosis type II. Also called: Mucolipidosis 2; ML 2; Inclusion cell disease; Leroy Disease; N-acetylglucosamine 1phosphotransferase deficiency; ML disorder type 2. Identifiers: Orphanet 576, MedGen C2673377, MONDO:0009650, OMIM 252500.
Pseudo-Hurler polydystrophy. Also called: ML IIIA; Mucolipidosis III Alpha/Beta; MUCOLIPIDOSIS IIIA; ML III; ML III ALPHA/BETA; Type III Mucolipidosis. Identifiers: Orphanet 423461, Orphanet 577, MedGen C0033788, MONDO:0018931, OMIM 252600.

Allele frequency attached by ClinVar (database versions not stated): ExAC 0.00001; gnomAD exomes below 0.00001 and 0.00001; TOPMed 0.00001.
gnomAD v4.1: 5 of 1,614,036 alleles (0.00031%); highest among the groups gnomAD compares: Non-Finnish European, 0.00042%; no homozygotes.

Submissions (2):

Labcorp Genetics (formerly Invitae), Labcorp
Classification: Uncertain significance for Pseudo-Hurler polydystrophy; Mucolipidosis type II. Last evaluated: 2024-04-22. Review status: criteria provided, single submitter. Criteria: Invitae Variant Classification Sherloc (09022015). Collection method: clinical testing. Allele origin: germline.
Comment: This sequence change replaces aspartic acid, which is acidic and polar, with glycine, which is neutral and non-polar, at codon 291 of the GNPTAB protein (p.Asp291Gly). This variant is present in population databases (rs775153910, gnomAD 0.0009%). This variant has not been reported in the literature in individuals affected with GNPTAB-related conditions. ClinVar contains an entry for this variant (Variation ID: 991290). Advanced modeling of protein sequence and biophysical properties (such as structural, functional, and spatial information, amino acid conservation, physicochemical variation, residue mobility, and thermodynamic stability) performed at Invitae indicates that this missense variant is not expected to disrupt GNPTAB protein function with a negative predictive value of 80%. In summary, the available evidence is currently insufficient to determine the role of this variant in disease. Therefore, it has been classified as a Variant of Uncertain Significance.

Natera, Inc.
Classification: Uncertain significance for Mucolipidosis type II. Last evaluated: 2020-04-17. Review status: no assertion criteria provided. Collection method: clinical testing. Allele origin: germline. Not counted in ClinVar's aggregate classification.

NM_024312.5(GNPTAB):c.872A>G (p.Asp291Gly)

Gene: GNPTAB (N-acetylglucosamine-1-phosphate transferase subunits alpha and beta; minus strand). Cytogenetic location: 12q23.2.
Variant type: single nucleotide variant.
Coding change: c.872A>G on transcript NM_024312.5 (MANE Select); coding-DNA position 872, A replaced by G.
Protein change: p.Asp291Gly; replaces aspartic acid 291 with glycine.
Molecular consequence: missense variant.
Genome position (GRCh38, 1-based): chr12:101,771,057, T>C on the plus strand (A>G on the coding strand, the complement: GNPTAB is on the minus strand). VCF-style: chr12-101771057-T-C. GRCh37 (hg19) VCF-style: chr12-102164835-T-C.
Other names: short protein forms D291G.
Identifiers: ClinVar variation 991290 (VCV000991290.8), dbSNP rs775153910, ClinGen allele CA6746770.
Genomic context (GRCh38, chr12:101,771,057, plus strand): 5'-TGGCTGATGGCGCTCAGATCCCATAATAAATATGCAGGACTTATGGTCAGTTCTTTTCCA[T>C]CAATGGTCATGTTCTTCTTAGTTTGCTTATTCAATTCTTGAAAATCCTTGGGGTTATTCA-3'
Protein context (NP_077288.2, residues 281-301): NKQTKKNMTI[Asp291Gly]GKELTISPAY